The following is an entry in ClinVar:

Single allele

Genes: LMF2 (lipase maturation factor 2; minus strand), DENND6B (DENN domain containing 6B; minus strand), HDAC10 (histone deacetylase 10; minus strand), IL17REL (interleukin 17 receptor E like; minus strand), KLHDC7B-DT (KLHDC7B divergent transcript; minus strand) and 164 more. Cytogenetic location: 22q13.33.
Variant type: Duplication.
Identifiers: ClinVar variation 1703238 (VCV001703238.1).

ClinVar aggregate classification (germline): Pathogenic (1 of 4 stars; one submission).

Conditions:
Chromosome 22q13 duplication syndrome. Identifiers: MedGen C3809844, MONDO:0014235, OMIM 615538.

Submission:

Broad Center for Mendelian Genomics, Broad Institute of MIT and Harvard
Classification: Pathogenic for Chromosome 22q13 duplication syndrome. Last evaluated: 2022-08-25. Review status: criteria provided, single submitter. Criteria: ACMG/ClinGen CNV Guidelines, 2019. Collection method: curation. Allele origin: germline. Inheritance: Sporadic. Affected: yes.
Comment: Data from large population studies is insufficient to assess the frequency of this variant. At least three reported probands from the literature (PMID: 2784604; PMID: 24153177) and one proband from the DECIPHER database (Decipher ID: 396055) have a copy-number gain in chromosome 22q13.33 similar in genomic content to the variant in our study. Of these probands, one has a duplication that is confirmed de novo, and the reported phenotypes of all probands are nonspecific (autism, ADHD, seizures, bipolar disorder). In summary, this variant meets criteria to be classified as pathogenic for autosomal dominant Chromosome 22q13 duplication Syndrome. The ACMG/ClinGen evidence codes and points used in this curation are as follows: 1A: 0 points, 2H: 0 points, 3C: 0.45 points, 4C: 0.45 points, 5A: 0.15 points; Total: 1.05 points; Riggs 2020 (PMID: 31690835).